The following is an entry in ClinVar:

ClinVar aggregate classification (germline): Uncertain significance (1 of 4 stars; one submission).

Conditions:
Glycosylphosphatidylinositol biosynthesis defect 16. Also called: MENTAL RETARDATION, AUTOSOMAL RECESSIVE 62. Identifiers: MedGen C4540521, MONDO:0040500, OMIM 617816.

Allele frequency attached by ClinVar (database versions not stated): gnomAD exomes 0.00003 and 0.00017; gnomAD 0.00004 and 0.00005; TOPMed 0.00007; ExAC 0.00018.
gnomAD v4.1: 53 of 1,614,160 alleles (0.0033%); highest among the groups gnomAD compares: East Asian, 0.1%; no homozygotes.

Submission:

Baylor Genetics
Classification: Uncertain significance for Glycosylphosphatidylinositol biosynthesis defect 16. Last evaluated: 2018-11-15. Review status: criteria provided, single submitter. Criteria: ACMG Guidelines, 2015. Collection method: clinical testing. Allele origin: unknown. Affected: yes.
Comment: This variant was determined to be of uncertain significance according to ACMG Guidelines, 2015 [PMID:25741868].

NM_153747.2(PIGC):c.739A>G (p.Ser247Gly)

Genes: C1orf105 (chromosome 1 open reading frame 105; plus strand), PIGC (phosphatidylinositol glycan anchor biosynthesis class C; minus strand). Cytogenetic location: 1q24.3.
Variant type: single nucleotide variant.
Coding change: c.739A>G on transcript NM_153747.2 (MANE Select); coding-DNA position 739, A replaced by G.
Protein change: p.Ser247Gly; replaces serine 247 with glycine.
Molecular consequence: missense variant. On other transcripts: intron variant (1).
Genome position (GRCh38, 1-based): chr1:172,441,884, T>C on the plus strand (A>G on the coding strand, the complement: PIGC is on the minus strand). VCF-style: chr1-172441884-T-C. GRCh37 (hg19) VCF-style: chr1-172411024-T-C.
Other names: c.739A>G, p.Ser247Gly (NM_002642.4); c.22-3189T>C (NM_139240.4); short protein forms S247G.
Identifiers: ClinVar variation 1033524 (VCV001033524.1), dbSNP rs751068367, ClinGen allele CA1245927.